The following is an entry in ClinVar:

NM_015488.5(PNKD):c.-7_15dup (p.Ala6fs)

Genes: PNKD (PNKD metallo-beta-lactamase domain containing; plus strand), LOC129935594 (ATAC-STARR-seq lymphoblastoid active region 17117; plus strand). Cytogenetic location: 2q35.
Variant type: Duplication.
Coding change: c.-7_15dup on transcript NM_015488.5 (MANE Select); 7 bases upstream of the start codon through coding-DNA position 15, 22 bases duplicated (TCTGAACATGGCGGCGGTGGTA).
Protein change: p.Ala6fs; shifts the reading frame from alanine 6.
Molecular consequence: frameshift variant, initiator codon variant.
Genome position (GRCh38, 1-based): chr2:218,270,529-218,270,550, TCTGAACATGGCGGCGGTGGTA duplicated; duplicating any 22 consecutive bases within chr2:218,270,528-218,270,550 gives the same sequence; the c. name uses the placement nearest the transcript's 3' end. VCF-style (leftmost placement, unchanged base first): chr2-218270527-G-GATCTGAACATGGCGGCGGTGGT. GRCh37 (hg19) VCF-style: chr2-219135250-G-GATCTGAACATGGCGGCGGTGGT.
Other names: c.-7_15dup, p.Ala6fs (NM_001077399.3); short protein forms A6fs.
Identifiers: ClinVar variation 3731078 (VCV003731078.1).

ClinVar aggregate classification (germline): Uncertain significance (1 of 4 stars; one submission).

Submission:

GeneDx
Classification: Uncertain significance. Last evaluated: 2024-08-14. Review status: criteria provided, single submitter. Criteria: GeneDx Variant Classification Process June 2021. Collection method: clinical testing. Allele origin: germline. Affected: yes.
Comment: Not observed at significant frequency in large population cohorts (gnomAD); Frameshift variant predicted to result in protein truncation or nonsense mediated decay in a gene or region of a gene for which loss of function is not a well-established mechanism of disease; Has not been previously published as pathogenic or benign to our knowledge